The following is an entry in ClinVar:

ClinVar aggregate classification (germline): Pathogenic (1 of 4 stars; one submission).

Conditions:
Autosomal recessive distal spinal muscular atrophy 1. Also called: HMN VI; NEURONOPATHY, SEVERE INFANTILE AXONAL, WITH RESPIRATORY FAILURE; SEVERE INFANTILE AXONAL NEUROPATHY WITH RESPIRATORY FAILURE; SPINAL MUSCULAR ATROPHY, DIAPHRAGMATIC; Spinal muscular atrophy with respiratory distress 1; NEURONOPATHY, DISTAL HEREDITARY MOTOR, HARDING TYPE VI. Identifiers: Orphanet 98920, MedGen C1858517, MONDO:0011436, OMIM 604320.
Charcot-Marie-Tooth disease axonal type 2S. Also called: CHARCOT-MARIE-TOOTH DISEASE, AXONAL, AUTOSOMAL RECESSIVE, TYPE 2S; CHARCOT-MARIE-TOOTH NEUROPATHY, TYPE 2S. Identifiers: Orphanet 443073, MedGen C4015349, MONDO:0014511, OMIM 616155.

Submission:

Labcorp Genetics (formerly Invitae), Labcorp
Classification: Pathogenic for Autosomal recessive distal spinal muscular atrophy 1; Charcot-Marie-Tooth disease axonal type 2S. Last evaluated: 2023-08-31. Review status: criteria provided, single submitter. Criteria: Invitae Variant Classification Sherloc (09022015). Collection method: clinical testing. Allele origin: unknown.
Comment: This variant results in the deletion of exons 9-13 (c.1235+126_2427del) of the IGHMBP2 gene. It is expected to disrupt RNA splicing. Variants that disrupt the donor or acceptor splice site typically lead to a loss of protein function (PMID: 16199547), and loss-of-function variants in IGHMBP2 are known to be pathogenic (PMID: 14681881, 25439726, 25568292). This variant has not been reported in the literature in individuals affected with IGHMBP2-related conditions. This variant disrupts a region of the IGHMBP2 protein in which other variant(s) (p.Arg425Cys) have been determined to be pathogenic (PMID: 22791546, 30598237, 30863264, 33258288). This suggests that this is a clinically significant region of the protein, and that variants that disrupt it are likely to be disease-causing. For these reasons, this variant has been classified as Pathogenic.

Literature cited by the submitters: PubMed 16199547; PubMed 14681881; PubMed 25439726; PubMed 25568292; PubMed 22791546; PubMed 30598237; PubMed 30863264; PubMed 33258288.

NC_000011.9:g.(?_68696951)_(68704375_?)del

Gene: IGHMBP2 (immunoglobulin mu DNA binding protein 2; plus strand). Cytogenetic location: 11q13.3.
Variant type: Deletion.
Identifiers: ClinVar variation 3244648 (VCV003244648.1).